The following is an entry in ClinVar:

ClinVar aggregate classification (germline): Pathogenic/Likely pathogenic. Review status: criteria provided, multiple submitters, no conflicts (2 of 4 stars). 2 submissions from 2 submitters: Pathogenic (1); Likely pathogenic (1). Last evaluated 2025-12-18.

Conditions:
Autosomal recessive polycystic kidney disease (ARPKD). Also called: AR polycystic kidney disease. Identifiers: Orphanet 731, Orphanet 8378, MedGen C0085548, MeSH D017044, MONDO:0009889.

Submissions (2):

Natera, Inc.
Classification: Likely pathogenic for Autosomal recessive polycystic kidney disease. Last evaluated: 2025-12-18. Review status: criteria provided, single submitter. Criteria: Natera Variant Classification Schema (03/2026). Collection method: clinical testing. Allele origin: germline.
Comment: The c.9552T>G variant in PKHD1 is a nonsense variant predicted to introduce a stop codon at amino acid 3184. This variant is expected to result in nonsense mediated decay, truncation, or a dysfunctional protein product. This variant is rare in the general population with a frequency below the threshold expected for the associated phenotype(s). Given the available evidence, this variant is classified as Likely Pathogenic.

Labcorp Genetics (formerly Invitae), Labcorp
Classification: Pathogenic for Autosomal recessive polycystic kidney disease. Last evaluated: 2024-01-19. Review status: criteria provided, single submitter. Criteria: Invitae Variant Classification Sherloc (09022015). Collection method: clinical testing. Allele origin: germline.
Comment: This sequence change creates a premature translational stop signal (p.Tyr3184*) in the PKHD1 gene. It is expected to result in an absent or disrupted protein product. Loss-of-function variants in PKHD1 are known to be pathogenic (PMID: 19940839). This variant is not present in population databases (gnomAD no frequency). This variant has not been reported in the literature in individuals affected with PKHD1-related conditions. For these reasons, this variant has been classified as Pathogenic.

Literature cited by the submitters: PubMed 19940839 (cited by Labcorp Genetics (formerly Invitae), Labcorp).

NM_138694.4(PKHD1):c.9552T>G (p.Tyr3184Ter)

Gene: PKHD1 (PKHD1 ciliary IPT domain containing fibrocystin/polyductin; minus strand). Cytogenetic location: 6p12.3.
Variant type: single nucleotide variant.
Coding change: c.9552T>G on transcript NM_138694.4 (MANE Select); coding-DNA position 9552, T replaced by G.
Protein change: p.Tyr3184Ter; replaces tyrosine 3184 with a stop codon.
Molecular consequence: nonsense.
Genome position (GRCh38, 1-based): chr6:51,748,064, A>C on the plus strand (T>G on the coding strand, the complement: PKHD1 is on the minus strand). VCF-style: chr6-51748064-A-C. GRCh37 (hg19) VCF-style: chr6-51612862-A-C.
Other names: c.9552T>G (NM_138694.3); c.9552T>G, p.Tyr3184Ter (NM_170724.3); short protein forms Y3184*.
Identifiers: ClinVar variation 2755085 (VCV002755085.4), dbSNP rs2533812064, ClinGen allele CA364420817.